The following is an entry in ClinVar:

ClinVar aggregate classification (germline): Uncertain significance (1 of 4 stars; one submission).

Allele frequency attached by ClinVar (database versions not stated): gnomAD exomes below 0.00001; ExAC 0.00003; gnomAD 0.00003; TOPMed 0.00004; ESP Exome Variant Server 0.00015.

Submission:

Labcorp Genetics (formerly Invitae), Labcorp
Classification: Uncertain significance. Last evaluated: 2023-06-17. Review status: criteria provided, single submitter. Criteria: Invitae Variant Classification Sherloc (09022015). Collection method: clinical testing. Allele origin: germline.
Comment: This sequence change replaces methionine, which is neutral and non-polar, with lysine, which is basic and polar, at codon 318 of the ROM1 protein (p.Met318Lys). This variant is present in population databases (rs150704413, gnomAD 0.03%). This variant has not been reported in the literature in individuals affected with ROM1-related conditions. Advanced modeling of protein sequence and biophysical properties (such as structural, functional, and spatial information, amino acid conservation, physicochemical variation, residue mobility, and thermodynamic stability) performed at Invitae indicates that this missense variant is not expected to disrupt ROM1 protein function. In summary, the available evidence is currently insufficient to determine the role of this variant in disease. Therefore, it has been classified as a Variant of Uncertain Significance.

NM_000327.4(ROM1):c.953T>A (p.Met318Lys)

Gene: ROM1 (retinal outer segment membrane protein 1; plus strand). Cytogenetic location: 11q12.3.
Variant type: single nucleotide variant.
Coding change: c.953T>A on transcript NM_000327.4 (MANE Select); coding-DNA position 953, T replaced by A.
Protein change: p.Met318Lys; replaces methionine 318 with lysine.
Molecular consequence: missense variant.
Genome position (GRCh38, 1-based): chr11:62,614,736, T>A. VCF-style: chr11-62614736-T-A. GRCh37 (hg19) VCF-style: chr11-62382208-T-A.
Other names: short protein forms M318K.
Identifiers: ClinVar variation 2977650 (VCV002977650.3), dbSNP rs150704413, ClinGen allele CA6049887.
Genomic context (GRCh38, chr11:62,614,736, plus strand): 5'-GGGTCATTGATGCGGGAGGAGAGACCCAGGGCTATCTCTTTCCCAGTGGGCTGAAAGATA[T>A]GCTGAAAACAGCATGGCTACAGGGAGGGGTTGCCTGCAGGCCAGCACCTGAGGAGGCCCC-3'
Protein context (NP_000318.2, residues 308-328): GYLFPSGLKD[Met318Lys]LKTAWLQGGV